The following is an entry in ClinVar:

ClinVar aggregate classification (germline): Pathogenic. Review status: criteria provided, multiple submitters, no conflicts (2 of 4 stars). 2 submissions from 2 submitters: Pathogenic (2). Last evaluated 2024-10-22.

Conditions:
Trichohepatoenteric syndrome 1 (THES1). Also called: DIARRHEA, FATAL INFANTILE, WITH TRICHORRHEXIS NODOSA. Identifiers: Orphanet 84064, MedGen C4551982, MONDO:0024541, OMIM 222470.

Allele frequency attached by ClinVar (database versions not stated): gnomAD 0.00001; gnomAD exomes 0.00001; TOPMed 0.00001.

Submissions (2):

Labcorp Genetics (formerly Invitae), Labcorp
Classification: Pathogenic. Last evaluated: 2024-10-22. Review status: criteria provided, single submitter. Criteria: Invitae Variant Classification Sherloc (09022015). Collection method: clinical testing. Allele origin: germline.
Comment: This sequence change creates a premature translational stop signal (p.Leu278*) in the TTC37 gene. It is expected to result in an absent or disrupted protein product. Loss-of-function variants in TTC37 are known to be pathogenic (PMID: 20176027, 21120949). This variant is not present in population databases (gnomAD no frequency). This variant has not been reported in the literature in individuals affected with TTC37-related conditions. For these reasons, this variant has been classified as Pathogenic.

Victorian Clinical Genetics Services, Murdoch Childrens Research Institute
Classification: Pathogenic for Trichohepatoenteric syndrome 1. Last evaluated: 2024-10-10. Review status: criteria provided, single submitter. Criteria: ACMG Guidelines, 2015. Collection method: clinical testing. Allele origin: germline. Inheritance: Autosomal recessive inheritance. Affected: yes.
Comment: Based on the classification scheme VCGS_Germline_v1.3.5, this variant is classified as Pathogenic. Following criteria are met: 0102 - Loss of function is a known mechanism of disease in this gene and is associated with trichohepatoenteric syndrome 1 (MIM#222470). (I) 0106 - This gene is associated with autosomal recessive disease. (I) 0201 - Variant is predicted to cause nonsense-mediated decay (NMD) and loss of protein (premature termination codon is located at least 54 nucleotides upstream of the final exon-exon junction). (SP) 0251 - This variant is heterozygous. (I) 0304 - Variant is present in gnomAD (v4) <0.01 for a recessive condition (9 heterozygotes, 0 homozygotes). (SP) 0701 - Other NMD-predicted variants comparable to the one identified in this case have very strong previous evidence for pathogenicity. Many NMD-predicted variants have been reported as pathogenic or likely pathogenic (ClinVar). (SP) 0803 - This variant has limited previous evidence of pathogenicity in an unrelated individual. Variant has a single pathogenic report in ClinVar. (SP) 0905 - No published segregation evidence has been identified for this variant. (I) 1007 - No published functional evidence has been identified for this variant. (I) 1201 - Heterozygous variant detected in trans with a second likely pathogenic heterozygous variant (NM_014639.3(TTC37):c.4514T>C p.(Leu1505Ser)) in a recessive disease. (I) Legend: (SP) - Supporting pathogenic, (I) - Information, (SB) - Supporting benign

Literature cited by the submitters: PubMed 20176027 (cited by Labcorp Genetics (formerly Invitae), Labcorp); PubMed 21120949 (cited by Labcorp Genetics (formerly Invitae), Labcorp).

NM_014639.4(SKIC3):c.831del (p.Gly277_Leu278insTer)

Gene: SKIC3 (SKI3 subunit of superkiller complex; minus strand). Cytogenetic location: 5q15.
Variant type: Deletion.
Coding change: c.831del on transcript NM_014639.4 (MANE Select); coding-DNA position 831, one base deleted (C; older notation c.831delC).
Protein change: p.Gly277_Leu278insTer.
Molecular consequence: frameshift variant.
Genome position (GRCh38, 1-based): chr5:95,530,150, G deleted on the plus strand (C on the coding strand, the reverse complement: SKIC3 is on the minus strand). VCF-style (leftmost placement, unchanged base first): chr5-95530149-AG-A. GRCh37 (hg19) VCF-style: chr5-94865853-AG-A.
Identifiers: ClinVar variation 3001610 (VCV003001610.4), dbSNP rs1158743738, ClinGen allele CA815779859.